The following is an entry in ClinVar:

NM_004260.4(RECQL4):c.115C>A (p.Arg39Ser)

Genes: RECQL4 (RecQ like helicase 4; minus strand), LOC130001411 (ATAC-STARR-seq lymphoblastoid silent region 19699; plus strand). Cytogenetic location: 8q24.3.
Variant type: single nucleotide variant.
Coding change: c.115C>A on transcript NM_004260.4 (MANE Select); coding-DNA position 115, C replaced by A.
Protein change: p.Arg39Ser; replaces arginine 39 with serine.
Molecular consequence: missense variant.
Genome position (GRCh38, 1-based): chr8:144,517,605, G>T on the plus strand (C>A on the coding strand, the complement: RECQL4 is on the minus strand). VCF-style: chr8-144517605-G-T. GRCh37 (hg19) VCF-style: chr8-145742989-G-T.
Other names: c.115C>A (NM_004260.3); short protein forms R39S.
Identifiers: ClinVar variation 1045337 (VCV001045337.6), dbSNP rs1815399959, ClinGen allele CA372693366.

ClinVar aggregate classification (germline): Uncertain significance. Review status: criteria provided, multiple submitters, no conflicts (2 of 4 stars). 2 submissions from 2 submitters: Uncertain significance (2). Last evaluated 2025-02-28.

Conditions:
Inborn genetic diseases. Identifiers: MedGen C0950123, MeSH D030342.
Baller-Gerold syndrome (BGS). Also called: CRANIOSYNOSTOSIS WITH RADIAL DEFECTS. Identifiers: Orphanet 1225, MedGen C0265308, MONDO:0009039, OMIM 218600.

Submissions (2):

Ambry Genetics
Classification: Uncertain significance for Inborn genetic diseases. Last evaluated: 2025-02-28. Review status: criteria provided, single submitter. Criteria: Ambry Variant Classification Scheme 2023. Collection method: clinical testing. Allele origin: germline.
Comment: The p.R39S variant (also known as c.115C>A), located in coding exon 2 of the RECQL4 gene, results from a C to A substitution at nucleotide position 115. The arginine at codon 39 is replaced by serine, an amino acid with dissimilar properties. This amino acid position is conserved. In addition, the in silico prediction for this alteration is inconclusive. Based on the available evidence, the clinical significance of this variant remains unclear.

Labcorp Genetics (formerly Invitae), Labcorp
Classification: Uncertain significance for Baller-Gerold syndrome. Last evaluated: 2023-08-23. Review status: criteria provided, single submitter. Criteria: Invitae Variant Classification Sherloc (09022015). Collection method: clinical testing. Allele origin: germline.
Comment: Experimental studies and prediction algorithms are not available or were not evaluated, and the functional significance of this variant is currently unknown. In summary, the available evidence is currently insufficient to determine the role of this variant in disease. Therefore, it has been classified as a Variant of Uncertain Significance. ClinVar contains an entry for this variant (Variation ID: 1045337). This variant has not been reported in the literature in individuals affected with RECQL4-related conditions. This variant is not present in population databases (gnomAD no frequency). This sequence change replaces arginine, which is basic and polar, with serine, which is neutral and polar, at codon 39 of the RECQL4 protein (p.Arg39Ser).